The following is an entry in ClinVar:

NM_001038603.3(MARVELD2):c.296G>A (p.Trp99Ter)

Gene: MARVELD2 (MARVEL domain containing 2; plus strand). Cytogenetic location: 5q13.2.
Variant type: single nucleotide variant.
Coding change: c.296G>A on transcript NM_001038603.3 (MANE Select); coding-DNA position 296, G replaced by A.
Protein change: p.Trp99Ter; replaces tryptophan 99 with a stop codon.
Molecular consequence: nonsense.
Genome position (GRCh38, 1-based): chr5:69,419,681, G>A. VCF-style: chr5-69419681-G-A. GRCh37 (hg19) VCF-style: chr5-68715508-G-A.
Other names: c.296G>A, p.Trp99Ter (NM_001244734.2); short protein forms W99*.
Identifiers: ClinVar variation 620557 (VCV000620557.2), dbSNP rs993107184, ClinGen allele CA119991200.
Genomic context (GRCh38, chr5:69,419,681, plus strand): 5'-GGCGCTTTGTCCCTGACTCCTGGAAGAACTTTTTCAGAGGGAAGAAAAAGGACCCCGAAT[G>A]GGATAAGCCGGTGTCTGATATCAGGTACATCTCCGATGGAGTGGAGTGTTCACCACCAGC-3'

ClinVar aggregate classification (germline): Likely pathogenic (1 of 4 stars; one submission).

Allele frequency attached by ClinVar (database versions not stated): gnomAD exomes below 0.00001 and 0.00001.
gnomAD v4.1: 6 of 1,614,144 alleles (0.00037%); highest among the groups gnomAD compares: Non-Finnish European, 0.00051%; no homozygotes.

Submission:

GeneDx
Classification: Likely pathogenic. Last evaluated: 2020-08-24. Review status: criteria provided, single submitter. Criteria: GeneDx Variant Classification Process June 2021. Collection method: clinical testing. Allele origin: germline. Affected: yes.
Comment: Nonsense variant predicted to result in protein truncation or nonsense mediated decay in a gene for which loss-of-function is a known mechanism of disease; Not observed at a significant frequency in large population cohorts (Lek et al., 2016); Has not been previously published as pathogenic or benign to our knowledge